The following is an entry in ClinVar:

NM_021975.4(RELA):c.1612G>A (p.Ala538Thr)

Gene: RELA (RELA proto-oncogene, NF-kB subunit; minus strand). Cytogenetic location: 11q13.1.
Variant type: single nucleotide variant.
Coding change: c.1612G>A on transcript NM_021975.4 (MANE Select); coding-DNA position 1612, G replaced by A.
Protein change: p.Ala538Thr; replaces alanine 538 with threonine.
Molecular consequence: missense variant.
Genome position (GRCh38, 1-based): chr11:65,654,422, C>T on the plus strand (G>A on the coding strand, the complement: RELA is on the minus strand). VCF-style: chr11-65654422-C-T. GRCh37 (hg19) VCF-style: chr11-65421893-C-T.
Other names: c.1603G>A, p.Ala535Thr (NM_001145138.2); c.1405G>A, p.Ala469Thr (NM_001243984.2); c.1303G>A, p.Ala435Thr (NM_001243985.2); c.1645G>A, p.Ala549Thr (NM_001404657.1); c.1585G>A, p.Ala529Thr (NM_001404658.1); c.1399G>A, p.Ala467Thr (NM_001404659.1); c.1294G>A, p.Ala432Thr (NM_001404660.1); c.1231G>A, p.Ala411Thr (NM_001404661.1); and 1 more; short protein forms A507T, A538T, A549T, A411T, A529T, A435T, A535T, A432T.
Identifiers: ClinVar variation 2604466 (VCV002604466.5), dbSNP rs2496822548, ClinGen allele CA381386250.
Genomic context (GRCh38, chr11:65,654,422, plus strand): 5'-GGCAGGCGTCACCCCCTTAGGAGCTGATCTGACTCAGCAGGGCTGAGAAGTCCATGTCCG[C>T]AATGGAGGAGAAGTCTTCATCTCCTGAAAGGAGGCCATTGGGGAGCCCCGGGGCCCCCAG-3'
Protein context (NP_068810.3, residues 528-548): LSGDEDFSSI[Ala538Thr]DMDFSALLSQ

ClinVar aggregate classification (germline): Uncertain significance. Review status: criteria provided, multiple submitters, no conflicts (2 of 4 stars). 2 submissions from 2 submitters: Uncertain significance (2). Last evaluated 2026-02-01.

Allele frequency attached by ClinVar (database versions not stated): gnomAD exomes below 0.00001.
gnomAD v4.1: 1 of 1,611,676 alleles (0.000062%); highest among the groups gnomAD compares: Non-Finnish European, 0.000085%; no homozygotes.

Submissions (2):

Labcorp Genetics (formerly Invitae), Labcorp
Classification: Uncertain significance. Last evaluated: 2026-02-01. Review status: criteria provided, single submitter. Criteria: Invitae Variant Classification Sherloc (09022015). Collection method: clinical testing. Allele origin: germline.
Comment: This sequence change replaces alanine, which is neutral and non-polar, with threonine, which is neutral and polar, at codon 538 of the RELA protein (p.Ala538Thr). This variant is not present in population databases (gnomAD no frequency). This variant has not been reported in the literature in individuals affected with RELA-related conditions. ClinVar contains an entry for this variant (Variation ID: 2604466). An algorithm developed to predict the effect of missense changes on protein structure and function (PolyPhen-2) suggests that this variant is likely to be tolerated. In summary, the available evidence is currently insufficient to determine the role of this variant in disease. Therefore, it has been classified as a Variant of Uncertain Significance.

Ambry Genetics
Classification: Uncertain significance. Last evaluated: 2023-06-16. Review status: criteria provided, single submitter. Criteria: Ambry Variant Classification Scheme 2023. Collection method: clinical testing. Allele origin: germline.